The following is an entry in ClinVar:

ClinVar aggregate classification (germline): Uncertain significance. Review status: criteria provided, single submitter (1 of 4 stars). 2 submissions from 2 submitters: Uncertain significance (1). 1 of the submissions does not count toward it. Last evaluated 2024-10-17.

Conditions:
Very long chain acyl-CoA dehydrogenase deficiency (ACADVLD). Also called: VLCAD Deficiency; Very Long-Chain Acyl-Coenzyme A Dehydrogenase Deficiency. Identifiers: Orphanet 26793, MedGen C3887523, MONDO:0008723, OMIM 201475.

Allele frequency attached by ClinVar (database versions not stated): gnomAD exomes below 0.00001.
gnomAD v4.1: 1 of 1,614,142 alleles (0.000062%); no homozygotes.

Submissions (2):

Women's Health and Genetics/Laboratory Corporation of America, LabCorp
Classification: Uncertain significance. Last evaluated: 2024-10-17. Review status: criteria provided, single submitter. Criteria: LabCorp Variant Classification Summary - May 2015. Collection method: clinical testing. Allele origin: germline.
Comment: Variant summary: ACADVL c.1430G>A (p.Cys477Tyr) results in a non-conservative amino acid change in the encoded protein sequence. Three of five in-silico tools predict a damaging effect of the variant on protein function. The variant allele was found at a frequency of 4e-06 in 251362 control chromosomes. c.1430G>A has been reported in the literature in two compound heterozygous individuals affected with Very Long Chain Acyl-CoA Dehydrogenase Deficiency (Pons_2000). These data indicate that the variant may be associated with disease. To our knowledge, no experimental evidence demonstrating an impact on protein function has been reported. The following publication has been ascertained in the context of this evaluation (PMID: 10738914). ClinVar contains an entry for this variant (Variation ID: 557399). Based on the evidence outlined above, the variant was classified as VUS-possibly pathogenic.

Counsyl
Classification: Uncertain significance for Very long chain acyl-CoA dehydrogenase deficiency. Last evaluated: 2018-03-23. Review status: no assertion criteria provided. Collection method: clinical testing. Allele origin: unknown. Not counted in ClinVar's aggregate classification.

Literature cited by the submitters: PubMed 10738914 (cited by Women's Health and Genetics/Laboratory Corporation of America, LabCorp and Counsyl).

NM_000018.4(ACADVL):c.1430G>A (p.Cys477Tyr)

Gene: ACADVL (acyl-CoA dehydrogenase very long chain; plus strand). Cytogenetic location: 17p13.1.
Variant type: single nucleotide variant.
Coding change: c.1430G>A on transcript NM_000018.4 (MANE Select); coding-DNA position 1430, G replaced by A.
Protein change: p.Cys477Tyr; replaces cysteine 477 with tyrosine.
Molecular consequence: missense variant.
Genome position (GRCh38, 1-based): chr17:7,224,065, G>A. VCF-style: chr17-7224065-G-A. GRCh37 (hg19) VCF-style: chr17-7127384-G-A.
Other names: c.1364G>A, p.Cys455Tyr (NM_001033859.3); c.1499G>A, p.Cys500Tyr (NM_001270447.2); c.1202G>A, p.Cys401Tyr (NM_001270448.2); short protein forms C477Y, C455Y, C500Y, C401Y.
Identifiers: ClinVar variation 557399 (VCV000557399.3), dbSNP rs1555528803, ClinGen allele CA397725093.
Genomic context (GRCh38, chr17:7,224,065, plus strand): 5'-TCTTCCGGATCTTTGAGGGGACAAATGACATTCTTCGGCTGTTTGTGGCTCTGCAGGGCT[G>A]TATGGTAAGACAGAGAATTGGGTGGGGGTAGAGGTGGGGAGGACAGTGAGTCCTGACTGC-3'
Protein context (NP_000009.1, residues 467-487): ILRLFVALQG[Cys477Tyr]MDKGKELSGL